The following is an entry in ClinVar:

ClinVar aggregate classification (germline): Uncertain significance (1 of 4 stars; one submission).

Conditions:
Inborn genetic diseases. Identifiers: MedGen C0950123, MeSH D030342.

gnomAD v4.1: 1 of 1,614,264 alleles (0.000062%); highest among the groups gnomAD compares: Non-Finnish European, 0.000085%; no homozygotes.

Submission:

Ambry Genetics
Classification: Uncertain significance for Inborn genetic diseases. Last evaluated: 2025-08-22. Review status: criteria provided, single submitter. Criteria: Ambry Variant Classification Scheme 2023. Collection method: clinical testing. Allele origin: germline.
Comment: The p.E1420Q variant (also known as c.4258G>C), located in coding exon 42 of the FANCA gene, results from a G to C substitution at nucleotide position 4258. The glutamic acid at codon 1420 is replaced by glutamine, an amino acid with highly similar properties. This amino acid position is conserved. In addition, this alteration is predicted to be tolerated by in silico analysis. Based on the available evidence, the clinical significance of this variant remains unclear.

NM_000135.4(FANCA):c.4258G>C (p.Glu1420Gln)

Genes: ZNF276 (zinc finger protein 276; plus strand), FANCA (FA complementation group A; minus strand). Cytogenetic location: 16q24.3.
Variant type: single nucleotide variant.
Coding change: c.4258G>C on transcript NM_000135.4 (MANE Select); coding-DNA position 4258, G replaced by C.
Protein change: p.Glu1420Gln; replaces glutamic acid 1420 with glutamine.
Molecular consequence: missense variant. On other transcripts: 3 prime UTR variant (2), non-coding transcript variant (4).
Genome position (GRCh38, 1-based): chr16:89,738,884, C>G on the plus strand (G>C on the coding strand, the complement: FANCA is on the minus strand). VCF-style: chr16-89738884-C-G. GRCh37 (hg19) VCF-style: chr16-89805292-C-G.
Other names: c.4262G>C, p.Arg1421Thr (NM_001286167.3); c.*638C>G (NM_001113525.2, NM_152287.4); short protein forms R1421T, E1420Q.
Identifiers: ClinVar variation 4254307 (VCV004254307.1).